The following is an entry in ClinVar:

ClinVar aggregate classification (germline): Likely benign. Review status: criteria provided, single submitter (1 of 4 stars). 2 submissions from 2 submitters: Likely benign (1). 1 of the submissions does not count toward it. Last evaluated 2025-12-16.

Conditions:
DLC1-related disorder. Also called: DLC1-related condition.

Allele frequency attached by ClinVar (database versions not stated): ESP Exome Variant Server 0.00015; gnomAD exomes 0.00040 and 0.00068; gnomAD 0.00041 and 0.00043; TOPMed 0.00050; ExAC 0.00051.
gnomAD v4.1: 689 of 1,614,216 alleles (0.043%); highest among the groups gnomAD compares: Middle Eastern, 0.73%; 3 homozygotes.

Submissions (2):

Labcorp Genetics (formerly Invitae), Labcorp
Classification: Likely benign. Last evaluated: 2025-12-16. Review status: criteria provided, single submitter. Criteria: Invitae Variant Classification Sherloc (09022015). Collection method: clinical testing. Allele origin: germline.

PreventionGenetics, part of Exact Sciences
Classification: Likely benign for DLC1-related condition. Last evaluated: 2020-05-13. Review status: no assertion criteria provided. Collection method: clinical testing. Allele origin: germline. Not counted in ClinVar's aggregate classification.
Comment: This variant is classified as likely benign based on ACMG/AMP sequence variant interpretation guidelines (Richards et al. 2015 PMID: 25741868, with internal and published modifications).

NM_182643.3(DLC1):c.405A>G (p.Thr135=)

Gene: DLC1 (DLC1 Rho GTPase activating protein; minus strand). Cytogenetic location: 8p22.
Variant type: single nucleotide variant.
Coding change: c.405A>G on transcript NM_182643.3 (MANE Select); coding-DNA position 405, A replaced by G.
Protein change: p.Thr135=; no amino-acid change (threonine 135 retained).
Molecular consequence: synonymous variant. On other transcripts: 5 prime UTR variant (1).
Genome position (GRCh38, 1-based): chr8:13,499,667, T>C on the plus strand (A>G on the coding strand, the complement: DLC1 is on the minus strand). VCF-style: chr8-13499667-T-C. GRCh37 (hg19) VCF-style: chr8-13357176-T-C.
Other names: c.405A>G, p.Thr135= (NM_001348081.2, NM_024767.5); c.-1047A>G (NM_001348082.2).
Identifiers: ClinVar variation 732413 (VCV000732413.10), dbSNP rs200103571, ClinGen allele CA4639501.